The following is an entry in ClinVar:

NM_000548.5(TSC2):c.2356-3C>G

Gene: TSC2 (TSC complex subunit 2; plus strand). Cytogenetic location: 16p13.3.
Variant type: single nucleotide variant.
Coding change: c.2356-3C>G on transcript NM_000548.5 (MANE Select); 3 bases into the intron before coding-DNA position 2356, C replaced by G.
Molecular consequence: intron variant.
Genome position (GRCh38, 1-based): chr16:2,074,197, C>G. VCF-style: chr16-2074197-C-G. GRCh37 (hg19) VCF-style: chr16-2124198-C-G.
Other names: c.1012-3C>G (NM_001406693.1, NM_001406689.1, NM_001406690.1 and 6 more transcripts); c.2446-3C>G (NM_001406667.1, NM_001406668.1); c.1756-3C>G (NM_001406680.1, NM_001406683.1, NM_001406687.1 and 6 more transcripts); c.754-3C>G (NM_001406698.1); c.2356-3C>G (NM_001114382.3, NM_001406663.1, NM_001406664.1 and 6 more transcripts); c.2344-3C>G (NM_001406671.1, NM_001406673.1); c.1894-3C>G (NM_001406681.1); c.2245-3C>G (NM_001406670.1, NM_001318827.2, NM_001406678.1); and 3 more.
Identifiers: ClinVar variation 5031361 (VCV005031361.1).
Genomic context (GRCh38, chr16:2,074,197, plus strand): 5'-AGGGGTAGGCGAGGCTGCCTCTGCTGCAAGCGGGTGGGGCCTGAGGTGTCCTGTCTCCTG[C>G]AGCGCGAGATGGTCTACTGCCTGGAGCAGGGCCTCATCCACCGCTGTGCCAGCCAGTGCG-3'

ClinVar aggregate classification (germline): Uncertain significance (1 of 4 stars; one submission).

Conditions:
Hereditary cancer-predisposing syndrome. Also called: Neoplastic Syndromes, Hereditary; Tumor predisposition; Hereditary neoplastic syndrome; Hereditary Cancer Syndrome. Identifiers: Orphanet 140162, MedGen C0027672, MeSH D009386, MONDO:0015356.

Submission:

Ambry Genetics
Classification: Uncertain significance for Hereditary cancer-predisposing syndrome. Last evaluated: 2026-07-20. Review status: criteria provided, single submitter. Criteria: Ambry Variant Classification Scheme 2023. Collection method: clinical testing. Allele origin: germline.
Comment: The c.2356-3C>G intronic variant results from a C to G substitution 3 nucleotides upstream from coding exon 21 in the TSC2 gene. This nucleotide position is not well conserved in available vertebrate species. In silico splice site analysis predicts that this alteration will weaken the native splice acceptor site and may result in the creation or strengthening of a novel splice acceptor site. Based on the available evidence, the clinical significance of this variant remains unclear.